The following is an entry in ClinVar:

NM_007294.4(BRCA1):c.1963_1964delinsAT (p.Tyr655Ile)

Gene: BRCA1 (BRCA1 DNA repair associated; minus strand). Cytogenetic location: 17q21.31.
Variant type: Indel.
Coding change: c.1963_1964delinsAT on transcript NM_007294.4 (MANE Select); coding-DNA positions 1963 to 1964, TA replaced by AT.
Protein change: p.Tyr655Ile; replaces tyrosine 655 with isoleucine.
Molecular consequence: missense variant. On other transcripts: intron variant (137).
Genome position (GRCh38, 1-based): chr17:43,093,567-43,093,568, TA replaced by AT on the plus strand (TA replaced by AT on the coding strand, the reverse complement: BRCA1 is on the minus strand). VCF-style: chr17-43093567-TA-AT. GRCh37 (hg19) VCF-style: chr17-41245584-TA-AT.
Other names: c.1750_1751delinsAT, p.Tyr584Ile (NM_001407571.1, NM_001407897.1, NM_001407898.1 and 9 more transcripts); c.1963_1964delinsAT, p.Tyr655Ile (NM_001407581.1, NM_001407582.1, NM_001407583.1 and 30 more transcripts); c.1960_1961delinsAT, p.Tyr654Ile (NM_001407587.1, NM_001407590.1, NM_001407591.1 and 22 more transcripts); c.1885_1886delinsAT, p.Tyr629Ile (NM_001407654.1, NM_001407655.1, NM_001407656.1 and 4 more transcripts); c.1882_1883delinsAT, p.Tyr628Ile (NM_001407659.1, NM_001407660.1, NM_001407661.1 and 1 more transcripts); c.1837_1838delinsAT, p.Tyr613Ile (NM_001407672.1, NM_001407673.1, NM_001407690.1 and 11 more transcripts); c.1840_1841delinsAT, p.Tyr614Ile (NM_001407674.1, NM_001407675.1, NM_001407676.1 and 19 more transcripts); c.1822_1823delinsAT, p.Tyr608Ile (NM_001407692.1, NM_001407694.1, NM_001407695.1 and 29 more transcripts); and 40 more; short protein forms Y655I, Y608I, Y359I, Y584I, Y585I, Y613I, Y628I, Y487I.
Identifiers: ClinVar variation 633094 (VCV000633094.15), dbSNP rs1567797539, ClinGen allele CA913190561.

ClinVar aggregate classification (germline): Conflicting classifications of pathogenicity. Review status: criteria provided, conflicting classifications (1 of 4 stars). 6 submissions from 6 submitters: Uncertain significance (5); Likely benign (1). Last evaluated 2025-01-17.

Conditions:
Hereditary breast ovarian cancer syndrome. Also called: Hereditary breast and ovarian cancer syndrome (HBOC); Hereditary breast and ovarian cancer; BRCA1- and BRCA2-Associated Hereditary Breast and Ovarian Cancer; Breast and ovarian cancer; Hereditary breast and ovarian cancer syndrome; Hereditary breast and/or ovarian cancer syndrome. Identifiers: Orphanet 145, MedGen C0677776, MeSH D061325, MONDO:0003582. Disease mechanism: loss of function.
Hereditary cancer-predisposing syndrome. Also called: Hereditary neoplastic syndrome; Tumor predisposition; Hereditary Cancer Syndrome; Neoplastic Syndromes, Hereditary. Identifiers: Orphanet 140162, MedGen C0027672, MeSH D009386, MONDO:0015356.
BRCA1-related cancer predisposition. Identifiers: MedGen CN377757, MONDO:0700268.
Breast-ovarian cancer, familial, susceptibility to, 1 (BROVCA1). Also called: OVARIAN CANCER, SUSCEPTIBILITY TO; BRCA1 Hereditary Breast and Ovarian Cancer. Identifiers: Orphanet 145, MedGen C2676676, MONDO:0011450, OMIM 604370. Disease mechanism: loss of function.
Fanconi anemia, complementation group S (FANCS). Identifiers: MedGen C4554406, MONDO:0054748, OMIM 617883.
Pancreatic cancer, susceptibility to, 4. Identifiers: Orphanet 1333, MedGen C3280442, MONDO:0013685, OMIM 614320.

Submissions (6):

Labcorp Genetics (formerly Invitae), Labcorp
Classification: Uncertain significance for Hereditary breast ovarian cancer syndrome. Last evaluated: 2025-01-17. Review status: criteria provided, single submitter. Criteria: Invitae Variant Classification Sherloc (09022015). Collection method: clinical testing. Allele origin: germline.
Comment: This sequence change replaces tyrosine, which is neutral and polar, with isoleucine, which is neutral and non-polar, at codon 655 of the BRCA1 protein (p.Tyr655Ile). Information on the frequency of this variant in the gnomAD database is not available, as this variant may be reported differently in the database. This variant has not been reported in the literature in individuals affected with BRCA1-related conditions. ClinVar contains an entry for this variant (Variation ID: 633094). An algorithm developed to predict the effect of missense changes on protein structure and function (PolyPhen-2) suggests that this variant is likely to be tolerated. In summary, the available evidence is currently insufficient to determine the role of this variant in disease. Therefore, it has been classified as a Variant of Uncertain Significance.

All of Us Research Program, National Institutes of Health
Classification: Uncertain significance for BRCA1-related cancer predisposition. Last evaluated: 2024-08-06. Review status: criteria provided, single submitter. Criteria: ACMG Guidelines, 2015. Collection method: clinical testing. Allele origin: germline. Inheritance: Autosomal dominant inheritance. Observed: 1 variant allele, 1 heterozygote.
Comment: This study involves interpretation of variants in research participants for the purpose of population health screening. Participant phenotype was not available at the time of variant classification. Additional details can be found in publication PMID: 35346344, PMCID: PMC8962531

Fulgent Genetics
Classification: Uncertain significance for Breast-ovarian cancer, familial, susceptibility to, 1; Pancreatic cancer, susceptibility to, 4; Fanconi anemia, complementation group S. Last evaluated: 2024-05-14. Review status: criteria provided, single submitter. Criteria: ACMG Guidelines, 2015. Collection method: clinical testing. Allele origin: germline.

University of Washington Department of Laboratory Medicine, University of Washington
Classification: Likely benign for Hereditary cancer-predisposing syndrome. Last evaluated: 2023-03-23. Review status: criteria provided, single submitter. Criteria: Dines et al. (Genet Med. 2020). Collection method: curation. Allele origin: germline.
Comment: Missense variant in a coldspot region where missense variants are very unlikely to be pathogenic (PMID:31911673).

BRCA1 coldspot (exon 11 using historical exon numbering). Reclassification based on statistical prior probability

Color Diagnostics, LLC DBA Color Health
Classification: Uncertain significance for Hereditary cancer-predisposing syndrome. Last evaluated: 2020-07-20. Review status: criteria provided, single submitter. Criteria: ACMG Guidelines, 2015. Collection method: clinical testing. Allele origin: germline.
Comment: This missense variant replaces tyrosine with isoleucine at codon 655 of the BRCA1 protein. Computational prediction is inconclusive regarding the impact of this variant on protein structure and function (internally defined REVEL score threshold 0.5 < inconclusive < 0.7, PMID: 27666373). To our knowledge, functional studies have not been reported for this variant. This variant has not been reported in individuals affected with hereditary cancer in the literature. This variant has not been identified in the general population by the Genome Aggregation Database (gnomAD). The available evidence is insufficient to determine the role of this variant in disease conclusively. Therefore, this variant is classified as a Variant of Uncertain Significance.

Women's Health and Genetics/Laboratory Corporation of America, LabCorp
Classification: Uncertain significance. Last evaluated: 2017-12-06. Review status: criteria provided, single submitter. Criteria: LabCorp Variant Classification Summary - May 2015. Collection method: clinical testing. Allele origin: germline.
Comment: Variant summary: The BRCA1 c.1963_1964delinsAT (p.Tyr655delinsIle) variant involves the deletion of a TA dinucleotide and insertion of an AT dinucleotide, resulting in a missense change. One in silico tool predicts a benign outcome for this variant. This variant is absent in 245460 control chromosomes. The variant of interest has not, to our knowledge, been reported in affected individuals via publications and/or reputable databases/clinical diagnostic laboratories; nor evaluated for functional impact by in vivo/vitro studies. Because of the absence of clinical information and the lack of functional studies, the variant is classified as a variant of uncertain significance (VUS) until additional information becomes available.